The following is an entry in ClinVar:

ClinVar aggregate classification (germline): Likely benign. Review status: criteria provided, multiple submitters, no conflicts (2 of 4 stars). 3 submissions from 3 submitters: Likely benign (3). Last evaluated 2025-04-24.

Conditions:
BAP1-related tumor predisposition syndrome (TPDS1). Also called: Tumor susceptibility linked to germline BAP1 mutations; COMMON Syndrome; TUMOR PREDISPOSITION SYNDROME 1; BAP1 tumor predisposition syndrome. Identifiers: Orphanet 289539, MedGen C3280492, MONDO:0013692, OMIM 614327.

Submissions (3):

Women's Health and Genetics/Laboratory Corporation of America, LabCorp
Classification: Likely benign. Last evaluated: 2025-04-24. Review status: criteria provided, single submitter. Criteria: LabCorp Variant Classification Summary - May 2015. Collection method: clinical testing. Allele origin: germline.
Comment: Variant summary: BAP1 c.659+7dupG alters a nucleotide located at a position not widely known to affect splicing. Consensus agreement among computation tools predict no significant impact on normal splicing. However, these predictions have yet to be confirmed by functional studies. The variant was absent in 161146 control chromosomes. The available data on variant occurrences in the general population are insufficient to allow any conclusion about variant significance. To our knowledge, no occurrence of c.659+7dupG in individuals affected with BAP1-Related Disorders and no experimental evidence demonstrating its impact on protein function have been reported. ClinVar contains an entry for this variant (Variation ID: 1668042). Based on the evidence outlined above, the variant was classified as likely benign.

Myriad Genetics, Inc.
Classification: Likely benign for BAP1-related tumor predisposition syndrome. Last evaluated: 2024-07-12. Review status: criteria provided, single submitter. Criteria: Myriad Autosomal Dominant, Autosomal Recessive and X-Linked Classification Criteria (2023). Collection method: clinical testing. Allele origin: unknown.
Comment: This variant is considered likely benign. This variant is intronic and is not expected to impact mRNA splicing.

Labcorp Genetics (formerly Invitae), Labcorp
Classification: Likely benign for BAP1-related tumor predisposition syndrome. Last evaluated: 2020-12-31. Review status: criteria provided, single submitter. Criteria: Invitae Variant Classification Sherloc (09022015). Collection method: clinical testing. Allele origin: germline.

NM_004656.4(BAP1):c.659+7dup

Gene: BAP1 (BRCA1 associated deubiquitinase 1; minus strand). Cytogenetic location: 3p21.1.
Variant type: Duplication.
Coding change: c.659+7dup on transcript NM_004656.4 (MANE Select); 7 bases into the intron after coding-DNA position 659, one base duplicated (G; older notation c.659+7dupG).
Molecular consequence: intron variant.
Genome position (GRCh38, 1-based): chr3:52,406,822, C duplicated on the plus strand (G on the coding strand, the reverse complement: BAP1 is on the minus strand); the first of 3 consecutive C bases (chr3:52,406,822-52,406,824); duplicating any one gives the same sequence. VCF-style (leftmost placement, unchanged base first): chr3-52406821-G-GC. GRCh37 (hg19) VCF-style: chr3-52440837-G-GC.
Other names: c.659+7dupG (NM_004656.4).
Identifiers: ClinVar variation 1668042 (VCV001668042.11), dbSNP rs2153227619, ClinGen allele CA2573137343.